The following is an entry in ClinVar:

NM_003062.4(SLIT3):c.4044G>T (p.Lys1348Asn)

Gene: SLIT3 (slit guidance ligand 3; minus strand). Cytogenetic location: 5q34.
Variant type: single nucleotide variant.
Coding change: c.4044G>T on transcript NM_003062.4 (MANE Select); coding-DNA position 4044, G replaced by T.
Protein change: p.Lys1348Asn; replaces lysine 1348 with asparagine.
Molecular consequence: missense variant.
Genome position (GRCh38, 1-based): chr5:168,671,281, C>A on the plus strand (G>T on the coding strand, the complement: SLIT3 is on the minus strand). VCF-style: chr5-168671281-C-A. GRCh37 (hg19) VCF-style: chr5-168098286-C-A.
Other names: c.4065G>T, p.Lys1355Asn (NM_001271946.2); c.4065G>T (NM_001271946.1); short protein forms K1348N, K1355N.
Identifiers: ClinVar variation 2206469 (VCV002206469.3), dbSNP rs372876846, ClinGen allele CA3550756.

ClinVar aggregate classification (germline): Uncertain significance. Review status: criteria provided, multiple submitters, no conflicts (2 of 4 stars). 2 submissions from 2 submitters: Uncertain significance (2). Last evaluated 2022-09-08.

Conditions:
SLIT3-related disorder. Also called: SLIT3-related condition.

Allele frequency attached by ClinVar (database versions not stated): ExAC 0.00003; gnomAD 0.00005; TOPMed 0.00007; ESP Exome Variant Server 0.00008.
gnomAD v4.1: 213 of 1,613,656 alleles (0.013%); highest among the groups gnomAD compares: Non-Finnish European, 0.018%; no homozygotes.

Submissions (2):

PreventionGenetics, part of Exact Sciences
Classification: Uncertain significance for SLIT3-related condition. Last evaluated: 2022-09-08. Review status: criteria provided, single submitter. Criteria: ACMG Guidelines, 2015. Collection method: clinical testing. Allele origin: germline.
Comment: The SLIT3 c.4065G>T variant is predicted to result in the amino acid substitution p.Lys1355Asn. To our knowledge, this variant has not been reported in the literature. This variant is reported in 0.0071% of alleles in individuals of European (Non-Finnish) descent in gnomAD. At this time, the clinical significance of this variant is uncertain due to the absence of conclusive functional and genetic evidence.

Ambry Genetics
Classification: Uncertain significance. Last evaluated: 2021-09-01. Review status: criteria provided, single submitter. Criteria: Ambry Variant Classification Scheme 2023. Collection method: clinical testing. Allele origin: germline.